The following is an entry in ClinVar:

NM_198239.2(CCN6):c.382C>T (p.His128Tyr)

Gene: CCN6 (cellular communication network factor 6; plus strand). Cytogenetic location: 6q21.
Variant type: single nucleotide variant.
Coding change: c.382C>T on transcript NM_198239.2 (MANE Select); coding-DNA position 382, C replaced by T.
Protein change: p.His128Tyr; replaces histidine 128 with tyrosine.
Molecular consequence: missense variant. On other transcripts: non-coding transcript variant (2).
Genome position (GRCh38, 1-based): chr6:112,064,790, C>T. VCF-style: chr6-112064790-C-T. GRCh37 (hg19) VCF-style: chr6-112385993-C-T.
Other names: c.382C>T, p.His128Tyr (NM_003880.4); short protein forms H128Y.
Identifiers: ClinVar variation 1680464 (VCV001680464.5), dbSNP rs782285818, ClinGen allele CA3963994.

ClinVar aggregate classification (germline): Uncertain significance (1 of 4 stars; one submission).

Allele frequency attached by ClinVar (database versions not stated): ExAC 0.00006; gnomAD exomes 0.00005; gnomAD 0.00001; TOPMed 0.00002.
gnomAD v4.1: 71 of 1,613,928 alleles (0.0044%); highest among the groups gnomAD compares: Middle Eastern, 0.016%; no homozygotes.

Submission:

Labcorp Genetics (formerly Invitae), Labcorp
Classification: Uncertain significance. Last evaluated: 2022-07-05. Review status: criteria provided, single submitter. Criteria: Invitae Variant Classification Sherloc (09022015). Collection method: clinical testing. Allele origin: germline.
Comment: This sequence change replaces histidine, which is basic and polar, with tyrosine, which is neutral and polar, at codon 128 of the WISP3 protein (p.His128Tyr). This variant is present in population databases (rs782285818, gnomAD 0.01%). This variant has not been reported in the literature in individuals affected with WISP3-related conditions. ClinVar contains an entry for this variant (Variation ID: 1680464). Algorithms developed to predict the effect of missense changes on protein structure and function (SIFT, PolyPhen-2, Align-GVGD) all suggest that this variant is likely to be tolerated. In summary, the available evidence is currently insufficient to determine the role of this variant in disease. Therefore, it has been classified as a Variant of Uncertain Significance.